The following is an entry in ClinVar:

ClinVar aggregate classification (germline): Benign. Review status: criteria provided, multiple submitters, no conflicts (2 of 4 stars). 3 submissions from 3 submitters: Benign (3). Last evaluated 2021-06-19.

Conditions:
Pituitary hormone deficiency, combined, 1 (CPHD1). Also called: Pituitary hormone deficiency, combined or isolated, 1. Identifiers: MedGen C2751608, MONDO:0024464, OMIM 613038.

Submissions (3):

GeneDx
Classification: Benign. Last evaluated: 2021-06-19. Review status: criteria provided, single submitter. Criteria: GeneDx Variant Classification Process June 2021. Collection method: clinical testing. Allele origin: germline. Affected: yes.

Illumina Laboratory Services, Illumina
Classification: Benign for Pituitary hormone deficiency, combined, 1. Last evaluated: 2018-01-12. Review status: criteria provided, single submitter. Criteria: ICSL Variant Classification Criteria 13 December 2019. Collection method: clinical testing. Allele origin: germline.
Comment: This variant was observed in the ICSL laboratory as part of a predisposition screen in an ostensibly healthy population. It had not been previously curated by ICSL or reported in the Human Gene Mutation Database (HGMD: prior to June 1st, 2018), and was therefore a candidate for classification through an automated scoring system. Utilizing variant allele frequency, disease prevalence and penetrance estimates, and inheritance mode, an automated score was calculated to assess if this variant is too frequent to cause the disease. Based on the score and internal cut-off values, a variant classified as benign is not then subjected to further curation. The score for this variant resulted in a classification of benign for this disease.

Breakthrough Genomics
Classification: Benign. Review status: criteria provided, single submitter. Criteria: ACMG Guidelines, 2015. Collection method: not provided. Allele origin: germline. Inheritance: Autosomal dominant inheritance. Affected: yes.

NM_000306.4(POU1F1):c.*213=

Gene: POU1F1 (POU class 1 homeobox 1; minus strand). Cytogenetic location: 3p11.2.
Variant type: single nucleotide variant.
Coding change: c.*213= on transcript NM_000306.4 (MANE Select); 213 bases downstream of the stop codon, no change from the reference sequence.
Molecular consequence: no sequence alteration.
Genome position: GRCh38 VCF-style: chr3-87259681-T-T. GRCh37 (hg19) VCF-style: chr3-87308831-C-T.
Other names: c.*213= (NM_001122757.3).
Identifiers: ClinVar variation 346829 (VCV000346829.9), dbSNP rs6792500.
Genomic context (GRCh38, chr3:87,259,681, plus strand): 5'-GAGAGCGGGAGAGACAGAGAGATCATTTTATTACTGTTAATATATTTGGCTTAAAATAGA[T=]AATGTGGCTTCTGAGAATAATTATTTTAAGTAAATAACATCAATATAATTTAAATTGTTG-3'